The following is an entry in ClinVar:

NM_000059.4(BRCA2):c.4346T>C (p.Phe1449Ser)

Gene: BRCA2 (BRCA2 DNA repair associated; plus strand). Cytogenetic location: 13q13.1.
Variant type: single nucleotide variant.
Coding change: c.4346T>C on transcript NM_000059.4 (MANE Select); coding-DNA position 4346, T replaced by C.
Protein change: p.Phe1449Ser; replaces phenylalanine 1449 with serine.
Molecular consequence: missense variant. On other transcripts: non-coding transcript variant (1), intron variant (2).
Genome position (GRCh38, 1-based): chr13:32,338,701, T>C. VCF-style: chr13-32338701-T-C. GRCh37 (hg19) VCF-style: chr13-32912838-T-C.
Other names: c.4346T>C, p.Phe1449Ser (NM_001406719.1, NM_001406720.1); c.1909+5314T>C (NM_001406721.1); c.425-5857T>C (NM_001406722.1); short protein forms F1449S.
Identifiers: ClinVar variation 2842826 (VCV002842826.4), dbSNP rs2137505361, ClinGen allele CA387780908.

ClinVar aggregate classification (germline): Uncertain significance. Review status: criteria provided, multiple submitters, no conflicts (2 of 4 stars). 2 submissions from 2 submitters: Uncertain significance (2). Last evaluated 2026-01-23.

Conditions:
Hereditary breast ovarian cancer syndrome. Also called: Hereditary breast and ovarian cancer syndrome; Hereditary breast and ovarian cancer; Hereditary breast and/or ovarian cancer syndrome; BRCA1- and BRCA2-Associated Hereditary Breast and Ovarian Cancer; Breast and ovarian cancer; Hereditary breast and ovarian cancer syndrome (HBOC). Identifiers: Orphanet 145, MedGen C0677776, MeSH D061325, MONDO:0003582. Disease mechanism: loss of function.
Hereditary cancer-predisposing syndrome. Also called: Tumor predisposition; Neoplastic Syndromes, Hereditary; Hereditary Cancer Syndrome; Hereditary neoplastic syndrome. Identifiers: Orphanet 140162, MedGen C0027672, MeSH D009386, MONDO:0015356.

Submissions (2):

Ambry Genetics
Classification: Uncertain significance for Hereditary cancer-predisposing syndrome. Last evaluated: 2026-01-23. Review status: criteria provided, single submitter. Criteria: Ambry Variant Classification Scheme 2023. Collection method: clinical testing. Allele origin: germline.
Comment: The p.F1449S variant (also known as c.4346T>C), located in coding exon 10 of the BRCA2 gene, results from a T to C substitution at nucleotide position 4346. The phenylalanine at codon 1449 is replaced by serine, an amino acid with highly dissimilar properties. This amino acid position is not well conserved in available vertebrate species. In addition, the in silico prediction for this alteration is inconclusive. Based on the available evidence, the clinical significance of this variant remains unclear.

Labcorp Genetics (formerly Invitae), Labcorp
Classification: Uncertain significance for Hereditary breast ovarian cancer syndrome. Last evaluated: 2023-03-04. Review status: criteria provided, single submitter. Criteria: Invitae Variant Classification Sherloc (09022015). Collection method: clinical testing. Allele origin: germline.
Comment: In summary, the available evidence is currently insufficient to determine the role of this variant in disease. Therefore, it has been classified as a Variant of Uncertain Significance. Advanced modeling of protein sequence and biophysical properties (such as structural, functional, and spatial information, amino acid conservation, physicochemical variation, residue mobility, and thermodynamic stability) performed at Invitae indicates that this missense variant is not expected to disrupt BRCA2 protein function. This variant has not been reported in the literature in individuals affected with BRCA2-related conditions. This variant is not present in population databases (gnomAD no frequency). This sequence change replaces phenylalanine, which is neutral and non-polar, with serine, which is neutral and polar, at codon 1449 of the BRCA2 protein (p.Phe1449Ser).